The following is an entry in ClinVar:

NM_006361.6(HOXB13):c.97C>G (p.Leu33Val)

Gene: HOXB13 (homeobox B13; minus strand). Cytogenetic location: 17q21.32.
Variant type: single nucleotide variant.
Coding change: c.97C>G on transcript NM_006361.6 (MANE Select); coding-DNA position 97, C replaced by G.
Protein change: p.Leu33Val; replaces leucine 33 with valine.
Molecular consequence: missense variant.
Genome position (GRCh38, 1-based): chr17:48,728,497, G>C on the plus strand (C>G on the coding strand, the complement: HOXB13 is on the minus strand). VCF-style: chr17-48728497-G-C. GRCh37 (hg19) VCF-style: chr17-46805859-G-C.
Other names: short protein forms L33V.
Identifiers: ClinVar variation 690985 (VCV000690985.10), dbSNP rs79344505, ClinGen allele CA400109395.

ClinVar aggregate classification (germline): Uncertain significance. Review status: criteria provided, multiple submitters, no conflicts (2 of 4 stars). 3 submissions from 3 submitters: Uncertain significance (2). 1 of the submissions does not count toward it. Last evaluated 2025-12-13.

Conditions:
Prostate cancer, hereditary, 1 (HPC1). Identifiers: Orphanet 1331, MedGen C4722327, MONDO:0011098, OMIM 601518.
Hereditary cancer-predisposing syndrome. Also called: Neoplastic Syndromes, Hereditary; Tumor predisposition; Hereditary neoplastic syndrome; Hereditary Cancer Syndrome. Identifiers: Orphanet 140162, MedGen C0027672, MeSH D009386, MONDO:0015356.

Submissions (3):

Ambry Genetics
Classification: Uncertain significance for Hereditary cancer-predisposing syndrome. Last evaluated: 2025-12-13. Review status: criteria provided, single submitter. Criteria: Ambry Variant Classification Scheme 2023. Collection method: clinical testing. Allele origin: germline.
Comment: The p.L33V variant (also known as c.97C>G), located in coding exon 1 of the HOXB13 gene, results from a C to G substitution at nucleotide position 97. The leucine at codon 33 is replaced by valine, an amino acid with highly similar properties. This amino acid position is highly conserved in available vertebrate species. In addition, this alteration is predicted to be tolerated by in silico analysis. Based on the available evidence, the clinical significance of this variant remains unclear.

Labcorp Genetics (formerly Invitae), Labcorp
Classification: Uncertain significance. Last evaluated: 2024-06-15. Review status: criteria provided, single submitter. Criteria: Invitae Variant Classification Sherloc (09022015). Collection method: clinical testing. Allele origin: germline.
Comment: This sequence change replaces leucine, which is neutral and non-polar, with valine, which is neutral and non-polar, at codon 33 of the HOXB13 protein (p.Leu33Val). This variant is not present in population databases (gnomAD no frequency). This variant has not been reported in the literature in individuals affected with HOXB13-related conditions. ClinVar contains an entry for this variant (Variation ID: 690985). An algorithm developed to predict the effect of missense changes on protein structure and function (PolyPhen-2) suggests that this variant is likely to be tolerated. In summary, the available evidence is currently insufficient to determine the role of this variant in disease. Therefore, it has been classified as a Variant of Uncertain Significance.

Laboratory of Virology, Microbiology,  Quality and Medical Biotechnologies, Faculty of Sciences and Techniques - Mohammedia, Hassan II University of Casablanca
Classification: Uncertain significance for Prostate cancer, hereditary, 1. Review status: no assertion criteria provided. Collection method: clinical testing. Allele origin: somatic. Affected: yes. Not counted in ClinVar's aggregate classification.